The following is an entry in ClinVar:

NM_015506.3(MMACHC):c.502G>A (p.Gly168Arg)

Gene: MMACHC (metabolism of cobalamin associated C; plus strand). Cytogenetic location: 1p34.1.
Variant type: single nucleotide variant.
Coding change: c.502G>A on transcript NM_015506.3 (MANE Select); coding-DNA position 502, G replaced by A.
Protein change: p.Gly168Arg; replaces glycine 168 with arginine.
Molecular consequence: missense variant.
Genome position (GRCh38, 1-based): chr1:45,508,868, G>A. VCF-style: chr1-45508868-G-A. GRCh37 (hg19) VCF-style: chr1-45974540-G-A.
Other names: c.331G>A, p.Gly111Arg (NM_001330540.2); short protein forms G111R, G168R.
Identifiers: ClinVar variation 2002376 (VCV002002376.4), dbSNP rs764448435, ClinGen allele CA827776.
Genomic context (GRCh38, chr1:45,508,868, plus strand): 5'-GTGTGCATACACCCCCGATTTGGGGGCTGGTTTGCCATCCGAGGGGTAGTGCTGCTGCCA[G>A]GGATAGAGGTGCCAGATCTGCCACCCAGAAAACCTCATGACTGTGTACCTACAAGAGCTG-3'
Protein context (NP_056321.2, residues 158-178): FAIRGVVLLP[Gly168Arg]IEVPDLPPRK

ClinVar aggregate classification (germline): Uncertain significance (1 of 4 stars; one submission).

Conditions:
Cobalamin C disease. Also called: Cobalamin-C methylmalonic acidemia and homocystinuria; Methylmalonic acidemia and homocystinuria cblC type; methylmalonic aciduria and homocystinuria type cblC; Methylmalonic aciduria and homocystinuria, Vitamin B12-responsive; Vitamin B12 metabolic defect with combined deficiency of methylmalonyl-CoA mutase and homocysteine:methyltetrahydrofolate methyltransferase; Methylmalonic aciduria with homocystinuria cblC type. Identifiers: Orphanet 26, Orphanet 79282, MedGen C1848561, MONDO:0010184, OMIM 277400.

Allele frequency attached by ClinVar (database versions not stated): ExAC 0.00003.
gnomAD v4.1: 8 of 1,614,208 alleles (0.0005%); highest among the groups gnomAD compares: Non-Finnish European, 0.00059%; no homozygotes.

Submission:

Labcorp Genetics (formerly Invitae), Labcorp
Classification: Uncertain significance for Cobalamin C disease. Last evaluated: 2022-06-04. Review status: criteria provided, single submitter. Criteria: Invitae Variant Classification Sherloc (09022015). Collection method: clinical testing. Allele origin: germline.
Comment: This variant has not been reported in the literature in individuals affected with MMACHC-related conditions. This variant is present in population databases (rs764448435, gnomAD 0.004%). This sequence change replaces glycine, which is neutral and non-polar, with arginine, which is basic and polar, at codon 168 of the MMACHC protein (p.Gly168Arg). Algorithms developed to predict the effect of missense changes on protein structure and function are either unavailable or do not agree on the potential impact of this missense change (SIFT: "Deleterious"; PolyPhen-2: "Possibly Damaging"; Align-GVGD: "Class C0"). In summary, the available evidence is currently insufficient to determine the role of this variant in disease. Therefore, it has been classified as a Variant of Uncertain Significance.